The following is an entry in ClinVar:

ClinVar aggregate classification (germline): Uncertain significance (1 of 4 stars; one submission).

Submission:

Labcorp Genetics (formerly Invitae), Labcorp
Classification: Uncertain significance. Last evaluated: 2024-03-20. Review status: criteria provided, single submitter. Criteria: Invitae Variant Classification Sherloc (09022015). Collection method: clinical testing. Allele origin: germline.
Comment: This sequence change replaces cysteine, which is neutral and slightly polar, with tyrosine, which is neutral and polar, at codon 568 of the DLL1 protein (p.Cys568Tyr). This variant is not present in population databases (gnomAD no frequency). This variant has not been reported in the literature in individuals affected with DLL1-related conditions. An algorithm developed to predict the effect of missense changes on protein structure and function (PolyPhen-2) suggests that this variant is likely to be tolerated. In summary, the available evidence is currently insufficient to determine the role of this variant in disease. Therefore, it has been classified as a Variant of Uncertain Significance.

NM_005618.4(DLL1):c.1703G>A (p.Cys568Tyr)

Gene: DLL1 (delta like canonical Notch ligand 1; minus strand). Cytogenetic location: 6q27.
Variant type: single nucleotide variant.
Coding change: c.1703G>A on transcript NM_005618.4 (MANE Select); coding-DNA position 1703, G replaced by A.
Protein change: p.Cys568Tyr; replaces cysteine 568 with tyrosine.
Molecular consequence: missense variant.
Genome position (GRCh38, 1-based): chr6:170,283,576, C>T on the plus strand (G>A on the coding strand, the complement: DLL1 is on the minus strand). VCF-style: chr6-170283576-C-T. GRCh37 (hg19) VCF-style: chr6-170592664-C-T.
Other names: short protein forms C568Y.
Identifiers: ClinVar variation 3672889 (VCV003672889.2).